The following is an entry in ClinVar:

ClinVar aggregate classification (germline): Likely benign (1 of 4 stars; one submission).

gnomAD v4.1: 958 of 1,613,580 alleles (0.059%); highest among the groups gnomAD compares: South Asian, 0.11%; 3 homozygotes.

Submission:

CeGaT Center for Human Genetics Tuebingen
Classification: Likely benign. Last evaluated: 2025-09-01. Review status: criteria provided, single submitter. Criteria: CeGaT Center For Human Genetics Tuebingen Variant Classification Criteria Version 2. Collection method: clinical testing. Allele origin: germline. Affected: yes. Observed: 1 variant allele.
Comment: CAMK2A: PP2, BS1

NM_015981.4(CAMK2A):c.*22C>T

Gene: CAMK2A (calcium/calmodulin dependent protein kinase II alpha; minus strand). Cytogenetic location: 5q32.
Variant type: single nucleotide variant.
Coding change: c.*22C>T on transcript NM_015981.4 (MANE Select); 22 bases downstream of the stop codon, C replaced by T.
Molecular consequence: 3 prime UTR variant.
Genome position (GRCh38, 1-based): chr5:150,222,688, G>A on the plus strand (C>T on the coding strand, the complement: CAMK2A is on the minus strand). VCF-style: chr5-150222688-G-A. GRCh37 (hg19) VCF-style: chr5-149602251-G-A.
Other names: c.*22C>T (NM_001363989.1, NM_001363990.1, NM_171825.3); c.*51C>T (NM_001369025.2).
Identifiers: ClinVar variation 4280797 (VCV004280797.7).